The following is an entry in ClinVar:

NM_000021.4(PSEN1):c.*2580C>T

Gene: PSEN1 (presenilin 1; plus strand). Cytogenetic location: 14q24.2.
Variant type: single nucleotide variant.
Coding change: c.*2580C>T on transcript NM_000021.4 (MANE Select); 2580 bases downstream of the stop codon, C replaced by T.
Molecular consequence: 3 prime UTR variant.
Genome position (GRCh38, 1-based): chr14:73,221,869, C>T. VCF-style: chr14-73221869-C-T. GRCh37 (hg19) VCF-style: chr14-73688577-C-T.
Other names: c.*2580C>T (NM_007318.3).
Identifiers: ClinVar variation 884667 (VCV000884667.29), dbSNP rs117394753, ClinGen allele CA262621956.

ClinVar aggregate classification (germline): Conflicting classifications of pathogenicity. Review status: criteria provided, conflicting classifications (1 of 4 stars). 3 submissions from 2 submitters: Uncertain significance (1); Benign (1); Likely benign (1). Last evaluated 2023-07-01.

Conditions:
Alzheimer disease 3 (AD3). Also called: ALZHEIMER DISEASE, FAMILIAL, 3. Identifiers: Orphanet 1020, MedGen C1843013, MONDO:0011913, OMIM 607822.
Dilated cardiomyopathy 1U. Identifiers: Orphanet 154, MedGen C3160720, MONDO:0013371, OMIM 613694.

Allele frequency attached by ClinVar (database versions not stated): 1000 Genomes Project 0.00060; 1000 Genomes Project 30x 0.00062; TOPMed 0.00281; gnomAD 0.00285 and 0.00305.

Submissions (3):

CeGaT Center for Human Genetics Tuebingen
Classification: Benign. Last evaluated: 2023-07-01. Review status: criteria provided, single submitter. Criteria: CeGaT Center For Human Genetics Tuebingen Variant Classification Criteria Version 2. Collection method: clinical testing. Allele origin: germline. Affected: yes. Observed: 4 variant alleles.
Comment: PSEN1: BS1, BS2

Illumina Laboratory Services, Illumina
Classification: Uncertain significance for Dilated cardiomyopathy 1U. Last evaluated: 2018-01-13. Review status: criteria provided, single submitter. Criteria: ICSL Variant Classification Criteria 13 December 2019. Collection method: clinical testing. Allele origin: germline.

Illumina Laboratory Services, Illumina
Classification: Likely benign for Alzheimer disease 3. Last evaluated: 2018-01-13. Review status: criteria provided, single submitter. Criteria: ICSL Variant Classification Criteria 13 December 2019. Collection method: clinical testing. Allele origin: germline.
Comment: This variant was observed in the ICSL laboratory as part of a predisposition screen in an ostensibly healthy population. It had not been previously curated by ICSL or reported in the Human Gene Mutation Database (HGMD: prior to June 1st, 2018), and was therefore a candidate for classification through an automated scoring system. Utilizing variant allele frequency, disease prevalence and penetrance estimates, and inheritance mode, an automated score was calculated to assess if this variant is too frequent to cause the disease. Based on the score and internal cut-off values, a variant classified as likely benign is not then subjected to further curation. The score for this variant resulted in a classification of likely benign for this disease.